The following is an entry in ClinVar:

ClinVar aggregate classification (germline): Uncertain significance (1 of 4 stars; one submission).

gnomAD v4.1: 1 of 1,614,234 alleles (0.000062%); highest among the groups gnomAD compares: Admixed American, 0.0017%; no homozygotes.

Submission:

Labcorp Genetics (formerly Invitae), Labcorp
Classification: Uncertain significance. Last evaluated: 2025-12-08. Review status: criteria provided, single submitter. Criteria: Invitae Variant Classification Sherloc (09022015). Collection method: clinical testing. Allele origin: germline.
Comment: This sequence change replaces leucine, which is neutral and non-polar, with phenylalanine, which is neutral and non-polar, at codon 2393 of the NSD1 protein (p.Leu2393Phe). This variant is not present in population databases (gnomAD no frequency). This variant has not been reported in the literature in individuals affected with NSD1-related conditions. Invitae Evidence Modeling of protein sequence and biophysical properties (such as structural, functional, and spatial information, amino acid conservation, physicochemical variation, residue mobility, and thermodynamic stability) indicates that this missense variant is not expected to disrupt NSD1 protein function with a negative predictive value of 95%. In summary, the available evidence is currently insufficient to determine the role of this variant in disease. Therefore, it has been classified as a Variant of Uncertain Significance.

NM_022455.5(NSD1):c.7177C>T (p.Leu2393Phe)

Gene: NSD1 (nuclear receptor binding SET domain protein 1; plus strand). Cytogenetic location: 5q35.3.
Variant type: single nucleotide variant.
Coding change: c.7177C>T on transcript NM_022455.5 (MANE Select); coding-DNA position 7177, C replaced by T.
Protein change: p.Leu2393Phe; replaces leucine 2393 with phenylalanine.
Molecular consequence: missense variant.
Genome position (GRCh38, 1-based): chr5:177,294,545, C>T. VCF-style: chr5-177294545-C-T. GRCh37 (hg19) VCF-style: chr5-176721546-C-T.
Other names: c.6304C>T, p.Leu2102Phe (NM_001365684.2, NM_001409308.1, NM_172349.5); c.7177C>T, p.Leu2393Phe (NM_001409301.1, NM_001409302.1, NM_001409303.1); c.6757C>T, p.Leu2253Phe (NM_001409304.1); c.6424C>T, p.Leu2142Phe (NM_001409305.1); c.6415C>T, p.Leu2139Phe (NM_001409306.1, NM_001409307.1); c.6055C>T, p.Leu2019Phe (NM_001409309.1); short protein forms L2019F, L2139F, L2253F, L2102F, L2142F, L2393F.
Identifiers: ClinVar variation 4764349 (VCV004764349.1).